The following is an entry in ClinVar:

ClinVar aggregate classification (germline): Uncertain significance (1 of 4 stars; one submission).

Allele frequency attached by ClinVar (database versions not stated): gnomAD exomes below 0.00001; TOPMed 0.00001.
gnomAD v4.1: 7 of 1,613,894 alleles (0.00043%); highest among the groups gnomAD compares: Admixed American, 0.0017%; no homozygotes.

Submission:

Labcorp Genetics (formerly Invitae), Labcorp
Classification: Uncertain significance. Last evaluated: 2022-09-13. Review status: criteria provided, single submitter. Criteria: Invitae Variant Classification Sherloc (09022015). Collection method: clinical testing. Allele origin: germline.
Comment: In summary, the available evidence is currently insufficient to determine the role of this variant in disease. Therefore, it has been classified as a Variant of Uncertain Significance. Advanced modeling of protein sequence and biophysical properties (such as structural, functional, and spatial information, amino acid conservation, physicochemical variation, residue mobility, and thermodynamic stability) performed at Invitae indicates that this missense variant is not expected to disrupt ELOVL4 protein function. ClinVar contains an entry for this variant (Variation ID: 1348284). This variant has not been reported in the literature in individuals affected with ELOVL4-related conditions. This variant is present in population databases (no rsID available, gnomAD 0.003%). This sequence change replaces isoleucine, which is neutral and non-polar, with valine, which is neutral and non-polar, at codon 81 of the ELOVL4 protein (p.Ile81Val).

NM_022726.4(ELOVL4):c.241A>G (p.Ile81Val)

Gene: ELOVL4 (ELOVL fatty acid elongase 4; minus strand). Cytogenetic location: 6q14.1.
Variant type: single nucleotide variant.
Coding change: c.241A>G on transcript NM_022726.4 (MANE Select); coding-DNA position 241, A replaced by G.
Protein change: p.Ile81Val; replaces isoleucine 81 with valine.
Molecular consequence: missense variant.
Genome position (GRCh38, 1-based): chr6:79,926,241, T>C on the plus strand (A>G on the coding strand, the complement: ELOVL4 is on the minus strand). VCF-style: chr6-79926241-T-C. GRCh37 (hg19) VCF-style: chr6-80635958-T-C.
Other names: short protein forms I81V.
Identifiers: ClinVar variation 1348284 (VCV001348284.8), dbSNP rs1232303222, ClinGen allele CA364657368.